The following is an entry in ClinVar:

ClinVar aggregate classification (germline): Conflicting classifications of pathogenicity. Review status: criteria provided, conflicting classifications (1 of 4 stars). 2 submissions from 2 submitters: Likely pathogenic (1); Uncertain significance (1). Last evaluated 2018-02-26.

Conditions:
Polycystic kidney disease. Also called: Kidney, Polycystic; Polycystic kidney dysplasia. Identifiers: MedGen C0022680, MeSH D007690, MONDO:0020642, HP:0000113.
Renal insufficiency. Also called: renal impairment; Renal failure. Identifiers: MedGen C1565489, HP:0000083.
Polycystic kidney disease, adult type (PKD1). Also called: Polycystic Kidney Disease 1, Autosomal Dominant; Polycystic kidney disease 1; Polycystic kidney disease 1, severe; POLYCYSTIC KIDNEY DISEASE 1 WITH OR WITHOUT POLYCYSTIC LIVER DISEASE; POLYCYSTIC KIDNEY DISEASE, ADULT, TYPE I; Polycystic Kidney, Autosomal Dominant. Identifiers: MedGen C3149841, MONDO:0008263, OMIM 173900.

Submissions (2):

Department of Urology, The First Affiliated Hospital of Henan University of Traditional Chinese Medicine
Classification: Likely pathogenic for Renal insufficiency; Polycystic kidney disease. Last evaluated: 2018-02-26. Review status: criteria provided, single submitter. Criteria: ACMG Guidelines, 2015. Collection method: clinical testing. Allele origin: inherited. Inheritance: Autosomal dominant inheritance. Affected: yes. Observed: 2 heterozygotes. Clinical features observed: Renal insufficiency (HP:0000083).
Comment: A novel non-frameshift insertion identified from a Chinese Han family with ADPKD. Four members of this family were affected by this variant, two of whom showed typical symptoms of PKD, including multiple cysts in both kidneys and liver, mild renal insufficiency.

Juno Genomics, Hangzhou Juno Genomics, Inc
Classification: Uncertain significance for Polycystic kidney disease, adult type. Review status: criteria provided, single submitter. Criteria: ACMG Guidelines, 2015. Collection method: clinical testing. Allele origin: germline. Affected: yes.
Comment: Absent from controls (or at extremely low frequency if recessive) in Genome Aggregation Database, Exome Sequencing Project, 1000 Genomes Project, or Exome Aggregation Consortium.;Protein length changes due to in-frame deletions/insertions in a non-repeat region or stop-loss variants.;Patient's phenotype or family history is highly specific for a disease with a single genetic etiology.

NM_001009944.3(PKD1):c.3890_3891insCAC (p.Leu1297_Arg1298insThr)

Gene: PKD1 (polycystin 1, transient receptor potential channel interacting; minus strand). Cytogenetic location: 16p13.3.
Variant type: Insertion.
Coding change: c.3890_3891insCAC on transcript NM_001009944.3 (MANE Select); coding-DNA positions 3890 to 3891, CAC inserted.
Protein change: p.Leu1297_Arg1298insThr.
Molecular consequence: inframe insertion.
Genome position: GRCh38 VCF-style: chr16-2111276-C-CGTG. GRCh37 (hg19) VCF-style: chr16-2161277-C-CGTG.
Other names: c.3890_3891insCAC, p.Leu1297_Arg1298insThr (NM_000296.4).
Identifiers: ClinVar variation 620077 (VCV000620077.4), dbSNP rs1567202189, ClinGen allele CA913191178.
Genomic context (GRCh38, chr16:2,111,276, plus strand): 5'-GACGTAGGCCGTGAGCCGCGCGTCAGGCTGCGTGGGGATGCAGGCGGCGGGTTCAACGCG[C>CGTG]AGCACCTCCAGGACGAAGACCAGCACGTGCAGGCTCCGGGCCAGGTGGCCGGCGGGGCTG-3'